The following is an entry in ClinVar:

ClinVar aggregate classification (germline): Uncertain significance (1 of 4 stars; one submission).

gnomAD v4.1: 3 of 1,612,450 alleles (0.00019%); highest among the groups gnomAD compares: Non-Finnish European, 0.00025%; no homozygotes.

Submission:

Labcorp Genetics (formerly Invitae), Labcorp
Classification: Uncertain significance. Last evaluated: 2025-04-28. Review status: criteria provided, single submitter. Criteria: Invitae Variant Classification Sherloc (09022015). Collection method: clinical testing. Allele origin: germline.
Comment: This sequence change replaces arginine, which is basic and polar, with glycine, which is neutral and non-polar, at codon 223 of the WHRN protein (p.Arg223Gly). This variant is not present in population databases (gnomAD no frequency). This variant has not been reported in the literature in individuals affected with WHRN-related conditions. ClinVar contains an entry for this variant (Variation ID: 2013485). An algorithm developed to predict the effect of missense changes on protein structure and function (PolyPhen-2) suggests that this variant is likely to be disruptive. In summary, the available evidence is currently insufficient to determine the role of this variant in disease. Therefore, it has been classified as a Variant of Uncertain Significance.

NM_015404.4(WHRN):c.667C>G (p.Arg223Gly)

Gene: WHRN (whirlin; minus strand). Cytogenetic location: 9q32.
Variant type: single nucleotide variant.
Coding change: c.667C>G on transcript NM_015404.4 (MANE Select); coding-DNA position 667, C replaced by G.
Protein change: p.Arg223Gly; replaces arginine 223 with glycine.
Molecular consequence: missense variant. On other transcripts: 5 prime UTR variant (1).
Genome position (GRCh38, 1-based): chr9:114,478,723, G>C on the plus strand (C>G on the coding strand, the complement: WHRN is on the minus strand). VCF-style: chr9-114478723-G-C. GRCh37 (hg19) VCF-style: chr9-117241003-G-C.
Other names: c.-483C>G (NM_001083885.3); c.667C>G, p.Arg223Gly (NM_001173425.2); short protein forms R223G.
Identifiers: ClinVar variation 2013485 (VCV002013485.4), dbSNP rs76593842, ClinGen allele CA374622056.
Genomic context (GRCh38, chr9:114,478,723, plus strand): 5'-TGCGGCCCTGCGGGTCCACCCAGGTGTAGATGTGGTTGGTGACGTAGCCCCCAGGGATGC[G>C]CCCTGCTGAGTACACAGACAGCACCAGCTTCTTGGAGCCCTTCAGAGCCTAGGGAGAGAG-3'
Protein context (NP_056219.3, residues 213-233): KLVLSVYSAG[Arg223Gly]IPGGYVTNHI